The following is an entry in ClinVar:

NM_000245.4(MET):c.2887+5A>G

Gene: MET (MET proto-oncogene, receptor tyrosine kinase; plus strand). Cytogenetic location: 7q31.2.
Variant type: single nucleotide variant.
Coding change: c.2887+5A>G on transcript NM_000245.4 (MANE Select); 5 bases into the intron after coding-DNA position 2887, A replaced by G.
Molecular consequence: intron variant.
Genome position (GRCh38, 1-based): chr7:116,771,659, A>G. VCF-style: chr7-116771659-A-G. GRCh37 (hg19) VCF-style: chr7-116411713-A-G.
Other names: c.2941+5A>G (NM_001127500.1, NM_001127500.3); c.1597+5A>G (NM_001324402.2).
Identifiers: ClinVar variation 3609788 (VCV003609788.2).

ClinVar aggregate classification (germline): Uncertain significance. Review status: criteria provided, multiple submitters, no conflicts (2 of 4 stars). 2 submissions from 2 submitters: Uncertain significance (2). Last evaluated 2024-12-11.

Conditions:
Renal cell carcinoma. Identifiers: Orphanet 217071, MedGen C0007134, MeSH D002292, MONDO:0005086, HP:0005584.
Hereditary cancer-predisposing syndrome. Also called: Hereditary Cancer Syndrome; Neoplastic Syndromes, Hereditary; Tumor predisposition; Hereditary neoplastic syndrome. Identifiers: Orphanet 140162, MedGen C0027672, MeSH D009386, MONDO:0015356.

gnomAD v4.1: 2 of 1,613,610 alleles (0.00012%); highest among the groups gnomAD compares: South Asian, 0.0011%; no homozygotes.

Submissions (2):

Ambry Genetics
Classification: Uncertain significance for Hereditary cancer-predisposing syndrome. Last evaluated: 2024-12-11. Review status: criteria provided, single submitter. Criteria: Ambry Variant Classification Scheme 2023. Collection method: clinical testing. Allele origin: germline.
Comment: The c.2941+5A>G intronic variant results from an A to G substitution 5 nucleotides after coding exon 12 in the MET gene. This nucleotide position is not well conserved in available vertebrate species. In silico splice site analysis predicts that this alteration will not have any significant effect on splicing. Based on the available evidence, the clinical significance of this variant remains unclear.

Labcorp Genetics (formerly Invitae), Labcorp
Classification: Uncertain significance for Renal cell carcinoma. Last evaluated: 2024-10-17. Review status: criteria provided, single submitter. Criteria: Invitae Variant Classification Sherloc (09022015). Collection method: clinical testing. Allele origin: germline.
Comment: This sequence change falls in intron 13 of the MET gene. It does not directly change the encoded amino acid sequence of the MET protein. It affects a nucleotide within the consensus splice site. This variant is not present in population databases (gnomAD no frequency). This variant has not been reported in the literature in individuals affected with MET-related conditions. Variants that disrupt the consensus splice site are a relatively common cause of aberrant splicing (PMID: 17576681, 9536098). Algorithms developed to predict the effect of sequence changes on RNA splicing suggest that this variant is not likely to affect RNA splicing. In summary, the available evidence is currently insufficient to determine the role of this variant in disease. Therefore, it has been classified as a Variant of Uncertain Significance.

Literature cited by the submitters: PubMed 17576681 (cited by Labcorp Genetics (formerly Invitae), Labcorp); PubMed 9536098 (cited by Labcorp Genetics (formerly Invitae), Labcorp).